The following is an entry in ClinVar:

ClinVar aggregate classification (germline): Uncertain significance. Review status: criteria provided, multiple submitters, no conflicts (2 of 4 stars). 3 submissions from 3 submitters: Uncertain significance (3). Last evaluated 2026-09-10.

Conditions:
Hereditary cancer-predisposing syndrome. Also called: Tumor predisposition; Hereditary neoplastic syndrome; Neoplastic Syndromes, Hereditary; Hereditary Cancer Syndrome. Identifiers: Orphanet 140162, MedGen C0027672, MeSH D009386, MONDO:0015356.
Tuberous sclerosis 1 (TSC1). Identifiers: Orphanet 805, MedGen C1854465, MONDO:0008612, OMIM 191100.

Submissions (3):

Ambry Genetics
Classification: Uncertain significance for Hereditary cancer-predisposing syndrome. Last evaluated: 2026-09-10. Review status: criteria provided, single submitter. Criteria: Ambry Variant Classification Scheme 2023. Collection method: clinical testing. Allele origin: germline.
Comment: The p.R692P variant (also known as c.2075G>C), located in coding exon 15 of the TSC1 gene, results from a G to C substitution at nucleotide position 2075. The arginine at codon 692 is replaced by proline, an amino acid with dissimilar properties. This amino acid position is well conserved in available vertebrate species. In addition, this alteration is predicted to be deleterious by in silico analysis. Based on the available evidence, the clinical significance of this variant remains unclear.

Labcorp Genetics (formerly Invitae), Labcorp
Classification: Uncertain significance for Tuberous sclerosis 1. Last evaluated: 2025-05-22. Review status: criteria provided, single submitter. Criteria: Invitae Variant Classification Sherloc (09022015). Collection method: clinical testing. Allele origin: germline.
Comment: This sequence change replaces arginine, which is basic and polar, with proline, which is neutral and non-polar, at codon 692 of the TSC1 protein (p.Arg692Pro). This variant is not present in population databases (gnomAD no frequency). This variant has not been reported in the literature in individuals affected with TSC1-related conditions. ClinVar contains an entry for this variant (Variation ID: 846317). Invitae Evidence Modeling of protein sequence and biophysical properties (such as structural, functional, and spatial information, amino acid conservation, physicochemical variation, residue mobility, and thermodynamic stability) has been performed for this missense variant. However, the output from this modeling did not meet the statistical confidence thresholds required to predict the impact of this variant on TSC1 protein function. In summary, the available evidence is currently insufficient to determine the role of this variant in disease. Therefore, it has been classified as a Variant of Uncertain Significance.

GeneDx
Classification: Uncertain significance. Last evaluated: 2024-11-17. Review status: criteria provided, single submitter. Criteria: GeneDx Variant Classification Process June 2021. Collection method: clinical testing. Allele origin: germline. Affected: yes.
Comment: Not observed at significant frequency in large population cohorts (gnomAD); In silico analysis supports that this missense variant has a deleterious effect on protein structure/function; Has not been previously published as pathogenic or benign to our knowledge

NM_000368.5(TSC1):c.2075G>C (p.Arg692Pro)

Gene: TSC1 (TSC complex subunit 1; minus strand). Cytogenetic location: 9q34.13.
Variant type: single nucleotide variant.
Coding change: c.2075G>C on transcript NM_000368.5 (MANE Select); coding-DNA position 2075, G replaced by C.
Protein change: p.Arg692Pro; replaces arginine 692 with proline.
Molecular consequence: missense variant.
Genome position (GRCh38, 1-based): chr9:132,903,784, C>G on the plus strand (G>C on the coding strand, the complement: TSC1 is on the minus strand). VCF-style: chr9-132903784-C-G. GRCh37 (hg19) VCF-style: chr9-135779171-C-G.
Other names: c.2072G>C, p.Arg691Pro (NM_001162426.2); c.1922G>C, p.Arg641Pro (NM_001162427.2); c.1712G>C, p.Arg571Pro (NM_001362177.2); short protein forms R571P, R641P, R691P, R692P.
Identifiers: ClinVar variation 846317 (VCV000846317.12), dbSNP rs199755731, ClinGen allele CA375361109.